The following is an entry in ClinVar:

ClinVar aggregate classification (germline): Pathogenic/Likely pathogenic. Review status: criteria provided, multiple submitters, no conflicts (2 of 4 stars). 2 submissions from 2 submitters: Pathogenic (1); Likely pathogenic (1). Last evaluated 2025-03-10.

Conditions:
Glycogen storage disease, type II (IOPD). Also called: POMPE DISEASE, INFANTILE-ONSET; GLYCOGEN STORAGE DISEASE II, INFANTILE-ONSET; ACID ALPHA-GLUCOSIDASE DEFICIENCY, INFANTILE-ONSET; GAA DEFICIENCY, INFANTILE-ONSET; ACID MALTASE DEFICIENCY, INFANTILE-ONSET; Glucosidase acid-1,4-alpha deficiency. Identifiers: Orphanet 365, MedGen C0017921, MONDO:0009290, OMIM 232300.

Submissions (2):

Revvity Omics, Revvity
Classification: Likely pathogenic. Last evaluated: 2025-03-10. Review status: criteria provided, single submitter. Criteria: ACMG Guidelines, 2015. Collection method: clinical testing. Allele origin: germline.

Labcorp Genetics (formerly Invitae), Labcorp
Classification: Pathogenic for Glycogen storage disease, type II. Last evaluated: 2025-02-18. Review status: criteria provided, single submitter. Criteria: Invitae Variant Classification Sherloc (09022015). Collection method: clinical testing. Allele origin: germline.
Comment: This sequence change creates a premature translational stop signal (p.Thr893*) in the GAA gene. It is expected to result in an absent or disrupted protein product. Loss-of-function variants in GAA are known to be pathogenic (PMID: 18425781, 22252923). This variant is not present in population databases (gnomAD no frequency). This variant has not been reported in the literature in individuals affected with GAA-related conditions. For these reasons, this variant has been classified as Pathogenic.

Literature cited by the submitters: PubMed 18425781 (cited by Labcorp Genetics (formerly Invitae), Labcorp); PubMed 22252923 (cited by Labcorp Genetics (formerly Invitae), Labcorp).

NM_000152.5(GAA):c.2675_2676dup (p.Thr893Ter)

Gene: GAA (alpha glucosidase; plus strand). Cytogenetic location: 17q25.3.
Variant type: Microsatellite.
Coding change: c.2675_2676dup on transcript NM_000152.5 (MANE Select); coding-DNA positions 2675 to 2676, 2 bases duplicated (TG; older notation c.2675_2676dupTG).
Protein change: p.Thr893Ter; replaces threonine 893 with a stop codon.
Molecular consequence: nonsense.
Genome position (GRCh38, 1-based): chr17:80,118,681-80,118,682, TG duplicated; duplicating any 2 consecutive bases within chr17:80,118,678-80,118,682 gives the same sequence; the c. name uses the placement nearest the transcript's 3' end. VCF-style (leftmost placement, unchanged base first): chr17-80118677-C-CGT. GRCh37 (hg19) VCF-style: chr17-78092476-C-CGT.
Other names: c.2675_2676dup, p.Thr893Ter (NM_001079803.3, NM_001079804.3, NM_001406741.1 and 1 more transcripts); short protein forms T893*.
Identifiers: ClinVar variation 2770432 (VCV002770432.4), dbSNP rs2510404152, ClinGen allele CA2697555233.